The following is an entry in ClinVar:

NM_003640.5(ELP1):c.1406del (p.Gly469fs)

Gene: ELP1 (elongator acetyltransferase complex subunit 1; minus strand). Cytogenetic location: 9q31.3.
Variant type: Deletion.
Coding change: c.1406del on transcript NM_003640.5 (MANE Select); coding-DNA position 1406, one base deleted (G; older notation c.1406delG).
Protein change: p.Gly469fs; shifts the reading frame from glycine 469.
Molecular consequence: frameshift variant.
Genome position (GRCh38, 1-based): chr9:108,908,359, C deleted on the plus strand (G on the coding strand, the reverse complement: ELP1 is on the minus strand); the first of 3 consecutive C bases (chr9:108,908,359-108,908,361); deleting any one gives the same sequence. VCF-style (leftmost placement, unchanged base first): chr9-108908358-AC-A. GRCh37 (hg19) VCF-style: chr9-111670638-AC-A.
Other names: c.1064del, p.Gly355fs (NM_001318360.2); c.359del, p.Gly120fs (NM_001330749.2); c.1406delG (NM_003640.4); short protein forms G469fs, G120fs, G355fs.
Identifiers: ClinVar variation 2076512 (VCV002076512.6), dbSNP rs2537917551, ClinGen allele CA2579411773.
Genomic context (GRCh38, chr9:108,908,358, plus strand): 5'-AACCTACTTGTATCTCTTTTCCAAATGAGGAGTTCTAAGGCAAACTTTAAATCCACTTCC[AC>A]CCACAGCTCCCAGTTTCACTGTAGGGTCAGCACTTGGACAATCACCTGGAAAACAAAAAT-3'

ClinVar aggregate classification (germline): Pathogenic/Likely pathogenic. Review status: criteria provided, multiple submitters, no conflicts (2 of 4 stars). 3 submissions from 3 submitters: Pathogenic (1); Likely pathogenic (2). Last evaluated 2025-07-24.

Conditions:
Familial dysautonomia. Also called: FD; HSAN III. Identifiers: Orphanet 1764, MedGen C0013364, MONDO:0009131, OMIM 223900. Disease mechanism: loss of function.
Medulloblastoma (MDB). Also called: Medulloblastoma, somatic; MEDULLOBLASTOMA PREDISPOSITION SYNDROME. Identifiers: Orphanet 616, MedGen C0025149, MeSH D008527, MONDO:0007959, OMIM 155255, HP:0002885.

Submissions (3):

Natera, Inc.
Classification: Likely pathogenic for Familial dysautonomia. Last evaluated: 2025-07-24. Review status: criteria provided, single submitter. Criteria: Natera Variant Classification Schema (03/2026). Collection method: clinical testing. Allele origin: germline.
Comment: The c.1406delG variant in ELP1 is a frameshift variant predicted to shift the reading frame beginning at codon 469 and leads to a stop codon 30 codons downstream. This variant is expected to result in nonsense mediated decay, truncation, or a dysfunctional protein product. This variant is rare in the general population with a frequency below the threshold expected for the associated phenotype(s). Given the available evidence, this variant is classified as Likely Pathogenic.

Fulgent Genetics
Classification: Likely pathogenic for Medulloblastoma; Familial dysautonomia. Last evaluated: 2024-01-02. Review status: criteria provided, single submitter. Criteria: ACMG Guidelines, 2015. Collection method: clinical testing. Allele origin: germline.

Labcorp Genetics (formerly Invitae), Labcorp
Classification: Pathogenic. Last evaluated: 2022-05-19. Review status: criteria provided, single submitter. Criteria: Invitae Variant Classification Sherloc (09022015). Collection method: clinical testing. Allele origin: germline.
Comment: This sequence change creates a premature translational stop signal (p.Gly469Valfs*30) in the ELP1 gene. It is expected to result in an absent or disrupted protein product. Loss-of-function variants in ELP1 are known to be pathogenic (PMID: 18303054, 24173031). This variant is not present in population databases (gnomAD no frequency). This variant has not been reported in the literature in individuals affected with ELP1-related conditions. For these reasons, this variant has been classified as Pathogenic.

Literature cited by the submitters: PubMed 18303054 (cited by Labcorp Genetics (formerly Invitae), Labcorp); PubMed 24173031 (cited by Labcorp Genetics (formerly Invitae), Labcorp).